The following is an entry in ClinVar:

NM_004863.4(SPTLC2):c.756+17T>G

Gene: SPTLC2 (serine palmitoyltransferase long chain base subunit 2; minus strand). Cytogenetic location: 14q24.3.
Variant type: single nucleotide variant.
Coding change: c.756+17T>G on transcript NM_004863.4 (MANE Select); 17 bases into the intron after coding-DNA position 756, T replaced by G.
Molecular consequence: intron variant.
Genome position (GRCh38, 1-based): chr14:77,570,367, A>C on the plus strand (T>G on the coding strand, the complement: SPTLC2 is on the minus strand). VCF-style: chr14-77570367-A-C. GRCh37 (hg19) VCF-style: chr14-78036710-A-C.
Identifiers: ClinVar variation 383448 (VCV000383448.4), dbSNP rs1057521628, ClinGen allele CA16607029.

ClinVar aggregate classification (germline): Likely benign. Review status: criteria provided, multiple submitters, no conflicts (2 of 4 stars). 2 submissions from 2 submitters: Likely benign (2). Last evaluated 2023-02-01.

Conditions:
Neuropathy, hereditary sensory and autonomic, type 1C. Also called: HSAN IC; HSN IC. Identifiers: Orphanet 36386, MedGen C3150896, MONDO:0013337, OMIM 613640.

Allele frequency attached by ClinVar (database versions not stated): gnomAD exomes below 0.00001; TOPMed below 0.00001; gnomAD 0.00001.
gnomAD v4.1: 3 of 1,611,840 alleles (0.00019%); highest among the groups gnomAD compares: Admixed American, 0.0017%; no homozygotes.

Submissions (2):

Labcorp Genetics (formerly Invitae), Labcorp
Classification: Likely benign for Neuropathy, hereditary sensory and autonomic, type 1C. Last evaluated: 2023-02-01. Review status: criteria provided, single submitter. Criteria: Invitae Variant Classification Sherloc (09022015). Collection method: clinical testing. Allele origin: germline.

GeneDx
Classification: Likely benign. Last evaluated: 2016-02-09. Review status: criteria provided, single submitter. Criteria: GeneDx Variant Classification (06012015). Collection method: clinical testing. Allele origin: germline. Affected: yes.
Comment: This variant is considered likely benign or benign based on one or more of the following criteria: it is a conservative change, it occurs at a poorly conserved position in the protein, it is predicted to be benign by multiple in silico algorithms, and/or has population frequency not consistent with disease.